The following is an entry in ClinVar:

NM_000528.4(MAN2B1):c.201_202insTGTACACATTT (p.Leu68fs)

Gene: MAN2B1 (mannosidase alpha class 2B member 1; minus strand). Cytogenetic location: 19p13.13.
Variant type: Insertion.
Coding change: c.201_202insTGTACACATTT on transcript NM_000528.4 (MANE Select); coding-DNA positions 201 to 202, TGTACACATTT inserted.
Protein change: p.Leu68fs; shifts the reading frame from leucine 68.
Molecular consequence: frameshift variant.
Genome position: GRCh38 VCF-style: chr19-12665763-G-GAAATGTGTACA. GRCh37 (hg19) VCF-style: chr19-12776577-G-GAAATGTGTACA.
Other names: c.201_202insTGTACACATTT, p.Leu68fs (NM_001173498.2); short protein forms L68fs.
Identifiers: ClinVar variation 1724303 (VCV001724303.2), dbSNP rs2512517592, ClinGen allele CA2580096494.

ClinVar aggregate classification (germline): Likely pathogenic (1 of 4 stars; one submission).

Conditions:
Deficiency of alpha-mannosidase (MANSA). Also called: Mannosidosis, alpha-, types I and II; LYSOSOMAL ALPHA-D-MANNOSIDASE DEFICIENCY; Alpha-Mannosidosis. Identifiers: Orphanet 61, MedGen C0024748, MONDO:0009561, OMIM 248500.

Submission:

Myriad Genetics, Inc.
Classification: Likely pathogenic for Deficiency of alpha-mannosidase. Last evaluated: 2022-02-05. Review status: criteria provided, single submitter. Criteria: Myriad Women's Health Autosomal Recessive and X-Linked Classification Criteria (2021). Collection method: clinical testing. Allele origin: unknown.
Comment: NM_000528.3(MAN2B1):c.201_202ins11(L68Cfs*93) is expected to be pathogenic in the context of alpha-mannosidosis. This variant is predicted to lead to an abnormal or absent protein product due to the creation of a premature termination codon in MAN2B1, a gene where loss-of-function variants are known to be pathogenic. Please note: this variant was assessed in the context of healthy population screening.